The following is an entry in ClinVar:

ClinVar aggregate classification (germline): Uncertain significance (1 of 4 stars; one submission).

Conditions:
Factor H deficiency (CFHD). Also called: COMPLEMENT FACTOR H DEFICIENCY; CFH DEFICIENCY. Identifiers: Orphanet 200421, MedGen C0398777, MONDO:0012350, OMIM 609814.

gnomAD v4.1: 2 of 1,613,912 alleles (0.00012%); highest among the groups gnomAD compares: East Asian, 0.0022%; no homozygotes.

Submissions (2):

Genomenon, Inc
Classification: Uncertain significance for Factor H deficiency. Last evaluated: 2026-09-17. Review status: criteria provided, single submitter. Criteria: Genomenon Sequence Variant Interpretation Standards - Updated. Collection method: curation. Allele origin: germline. Affected: yes.
Comment: CFH p.Lys583Arg (c.1748A>G) is a missense variant that changes the amino acid at codon 583 from lysine to arginine. This variant has been observed in at least one proband affected with complement factor H deficiency (PMID: 38041748). It is absent or not present at a significant frequency in gnomAD. In silico models predict that this variant is not damaging. In conclusion, we classify CFH p.Lys583Arg (c.1748A>G) as a variant of uncertain significance.

Dr. Peter K. Rogan Lab, Western University
No classification provided (evidence only). Condition: Gastric cancer. Review status: no classification provided. Collection method: in vitro. Allele origin: not applicable. Functional consequence: retained intron. Not counted in ClinVar's aggregate classification.

Literature cited by the submitters: PubMed 38041748 (cited by Genomenon, Inc).

NM_000186.4(CFH):c.1748A>G (p.Lys583Arg)

Gene: CFH (complement factor H; plus strand). Cytogenetic location: 1q31.3.
Variant type: single nucleotide variant.
Coding change: c.1748A>G on transcript NM_000186.4 (MANE Select); coding-DNA position 1748, A replaced by G.
Protein change: p.Lys583Arg; replaces lysine 583 with arginine.
Molecular consequence: missense variant.
Genome position (GRCh38, 1-based): chr1:196,725,172, A>G. VCF-style: chr1-196725172-A-G. GRCh37 (hg19) VCF-style: chr1-196694302-A-G.
Other names: NC_000001.10:g.196694302A>G; short protein forms K583R.
Identifiers: ClinVar variation 4291417 (VCV004291417.3).